The following is an entry in ClinVar:

ClinVar aggregate classification (germline): Likely benign. Review status: criteria provided, multiple submitters, no conflicts (2 of 4 stars). 2 submissions from 2 submitters: Likely benign (2). Last evaluated 2024-06-19.

Conditions:
Familial cancer of breast. Also called: Hereditary breast cancer; hereditary breast carcinoma; BREAST CANCER, FAMILIAL. Identifiers: Orphanet 227535, MedGen C0346153, MONDO:0016419, OMIM 114480. Disease mechanism: loss of function.
Ataxia-telangiectasia syndrome (AT). Also called: Ataxia telangiectasia (A-T); ATAXIA-TELANGIECTASIA, COMPLEMENTATION GROUP A; ATAXIA-TELANGIECTASIA, FRESNO VARIANT; Ataxia-telangiectasia; Ataxia-telangiectasia, complementation group E; LOUIS-BAR SYNDROME. Identifiers: Orphanet 100, MedGen C0004135, MONDO:0008840, OMIM 208900.

Submissions (2):

Myriad Genetics, Inc.
Classification: Likely benign for Familial cancer of breast. Last evaluated: 2024-06-19. Review status: criteria provided, single submitter. Criteria: Myriad Autosomal Dominant, Autosomal Recessive and X-Linked Classification Criteria (2023). Collection method: clinical testing. Allele origin: unknown.
Comment: This variant is considered likely benign. This variant is intronic and is not expected to impact mRNA splicing.

Labcorp Genetics (formerly Invitae), Labcorp
Classification: Likely benign for Ataxia-telangiectasia syndrome. Last evaluated: 2023-11-30. Review status: criteria provided, single submitter. Criteria: Invitae Variant Classification Sherloc (09022015). Collection method: clinical testing. Allele origin: germline.

NM_000051.4(ATM):c.8269-9T>C

Genes: ATM (ATM serine/threonine kinase; plus strand), C11orf65 (chromosome 11 open reading frame 65; minus strand). Cytogenetic location: 11q22.3.
Variant type: single nucleotide variant.
Coding change: c.8269-9T>C on transcript NM_000051.4 (MANE Select); 9 bases into the intron before coding-DNA position 8269, T replaced by C.
Molecular consequence: intron variant.
Genome position (GRCh38, 1-based): chr11:108,343,213, T>C. VCF-style: chr11-108343213-T-C. GRCh37 (hg19) VCF-style: chr11-108213940-T-C.
Other names: c.8269-9T>C (NM_001351834.2); c.641-34142A>G (NM_001330368.2); c.695-7921A>G (NM_001351110.2).
Identifiers: ClinVar variation 1083243 (VCV001083243.10), dbSNP rs2136938827, ClinGen allele CA2499220725.